The following is an entry in ClinVar:

NM_000330.4(RS1):c.93C>A (p.Asp31Glu)

Gene: RS1 (retinoschisin 1; minus strand). Cytogenetic location: Xp22.13.
Variant type: single nucleotide variant.
Coding change: c.93C>A on transcript NM_000330.4 (MANE Select); coding-DNA position 93, C replaced by A.
Protein change: p.Asp31Glu; replaces aspartic acid 31 with glutamic acid.
Molecular consequence: missense variant.
Genome position (GRCh38, 1-based): chrX:18,656,744, G>T on the plus strand (C>A on the coding strand, the complement: RS1 is on the minus strand). VCF-style: chrX-18656744-G-T. GRCh37 (hg19) VCF-style: chrX-18674864-G-T.
Other names: short protein forms D31E.
Identifiers: ClinVar variation 2059791 (VCV002059791.5), dbSNP rs961848861, ClinGen allele CA327013818.

ClinVar aggregate classification (germline): Uncertain significance. Review status: criteria provided, multiple submitters, no conflicts (2 of 4 stars). 3 submissions from 3 submitters: Uncertain significance (3). Last evaluated 2024-11-12.

Conditions:
Inborn genetic diseases. Identifiers: MedGen C0950123, MeSH D030342.

Allele frequency attached by ClinVar (database versions not stated): gnomAD exomes below 0.00001; TOPMed 0.00001.
gnomAD v4.1: 1 of 1,210,168 alleles (0.000083%); highest among the groups gnomAD compares: South Asian, 0.0018%; no homozygotes.

Submissions (3):

Ambry Genetics
Classification: Uncertain significance for Inborn genetic diseases. Last evaluated: 2024-11-12. Review status: criteria provided, single submitter. Criteria: Ambry Variant Classification Scheme 2023. Collection method: clinical testing. Allele origin: germline.

Labcorp Genetics (formerly Invitae), Labcorp
Classification: Uncertain significance. Last evaluated: 2024-03-16. Review status: criteria provided, single submitter. Criteria: Invitae Variant Classification Sherloc (09022015). Collection method: clinical testing. Allele origin: germline.
Comment: This sequence change replaces aspartic acid, which is acidic and polar, with glutamic acid, which is acidic and polar, at codon 31 of the RS1 protein (p.Asp31Glu). This variant is not present in population databases (gnomAD no frequency). This variant has not been reported in the literature in individuals affected with RS1-related conditions. ClinVar contains an entry for this variant (Variation ID: 2059791). Advanced modeling of protein sequence and biophysical properties (such as structural, functional, and spatial information, amino acid conservation, physicochemical variation, residue mobility, and thermodynamic stability) performed at Invitae indicates that this missense variant is not expected to disrupt RS1 protein function with a negative predictive value of 95%. In summary, the available evidence is currently insufficient to determine the role of this variant in disease. Therefore, it has been classified as a Variant of Uncertain Significance.

Blueprint Genetics
Classification: Uncertain significance. Last evaluated: 2022-02-24. Review status: criteria provided, single submitter. Criteria: ACMG Guidelines, 2015. Collection method: clinical testing. Allele origin: germline.